The following is an entry in ClinVar:

ClinVar aggregate classification (germline): Uncertain significance (1 of 4 stars; one submission).

Conditions:
Ataxia-telangiectasia syndrome (AT). Also called: LOUIS-BAR SYNDROME; Cerebello-oculocutaneous telangiectasia; Immunodeficiency with ataxia telangiectasia; Ataxia telangiectasia (A-T); Ataxia-telangiectasia, complementation group D; AT, COMPLEMENTATION GROUP C. Identifiers: Orphanet 100, MedGen C0004135, MONDO:0008840, OMIM 208900.

Submission:

Labcorp Genetics (formerly Invitae), Labcorp
Classification: Uncertain significance for Ataxia-telangiectasia syndrome. Last evaluated: 2024-04-22. Review status: criteria provided, single submitter. Criteria: Invitae Variant Classification Sherloc (09022015). Collection method: clinical testing. Allele origin: germline.
Comment: This sequence change replaces aspartic acid, which is acidic and polar, with valine, which is neutral and non-polar, at codon 2916 of the ATM protein (p.Asp2916Val). This variant is not present in population databases (gnomAD no frequency). This variant has not been reported in the literature in individuals affected with ATM-related conditions. ClinVar contains an entry for this variant (Variation ID: 1517246). An algorithm developed to predict the effect of missense changes on protein structure and function (PolyPhen-2) suggests that this variant is likely to be disruptive. In summary, the available evidence is currently insufficient to determine the role of this variant in disease. Therefore, it has been classified as a Variant of Uncertain Significance.

NM_000051.4(ATM):c.8747A>T (p.Asp2916Val)

Genes: ATM (ATM serine/threonine kinase; plus strand), C11orf65 (chromosome 11 open reading frame 65; minus strand). Cytogenetic location: 11q22.3.
Variant type: single nucleotide variant.
Coding change: c.8747A>T on transcript NM_000051.4 (MANE Select); coding-DNA position 8747, A replaced by T.
Protein change: p.Asp2916Val; replaces aspartic acid 2916 with valine.
Molecular consequence: missense variant. On other transcripts: intron variant (2).
Genome position (GRCh38, 1-based): chr11:108,353,841, A>T. VCF-style: chr11-108353841-A-T. GRCh37 (hg19) VCF-style: chr11-108224568-A-T.
Other names: c.8747A>T, p.Asp2916Val (NM_001351834.2); c.640+32079T>A (NM_001330368.2); c.695-18549T>A (NM_001351110.2); short protein forms D2916V.
Identifiers: ClinVar variation 1517246 (VCV001517246.6), dbSNP rs2137293159, ClinGen allele CA382524033.